The following is an entry in ClinVar:

NM_000540.3(RYR1):c.10057C>T (p.Leu3353Phe)

Gene: RYR1 (ryanodine receptor 1; plus strand). Cytogenetic location: 19q13.2.
Variant type: single nucleotide variant.
Coding change: c.10057C>T on transcript NM_000540.3 (MANE Select); coding-DNA position 10057, C replaced by T.
Protein change: p.Leu3353Phe; replaces leucine 3353 with phenylalanine.
Molecular consequence: missense variant.
Genome position (GRCh38, 1-based): chr19:38,519,252, C>T. VCF-style: chr19-38519252-C-T. GRCh37 (hg19) VCF-style: chr19-39009892-C-T.
Other names: c.10057C>T, p.Leu3353Phe (NM_001042723.2); short protein forms L3353F.
Identifiers: ClinVar variation 3070299 (VCV003070299.2), dbSNP rs1971112912, ClinGen allele CA405694794.

ClinVar aggregate classification (germline): Uncertain significance. Review status: criteria provided, multiple submitters, no conflicts (2 of 4 stars). 2 submissions from 2 submitters: Uncertain significance (2). Last evaluated 2025-06-09.

Conditions:
Malignant hyperthermia, susceptibility to, 1 (MHS1). Also called: RYR1-Related Malignant Hyperthermia Susceptibility; Anesthesia related hyperthermia; Malignant hyperpyrexia; Fulminating hyperpyrexia; Pharmacogenic myopathy; Malignant hyperthermia suceptibility 1. Identifiers: Orphanet 423, MedGen C2930980, MONDO:0007783, OMIM 145600.

Allele frequency attached by ClinVar (database versions not stated): gnomAD exomes below 0.00001; TOPMed below 0.00001.
gnomAD v4.1: 3 of 1,614,154 alleles (0.00019%); highest among the groups gnomAD compares: Non-Finnish European, 0.00025%; no homozygotes.

Submissions (2):

Color Diagnostics, LLC DBA Color Health
Classification: Uncertain significance for Malignant hyperthermia, susceptibility to, 1. Last evaluated: 2025-06-09. Review status: criteria provided, single submitter. Criteria: ACMG Guidelines, 2015. Collection method: clinical testing. Allele origin: germline.
Comment: This missense variant replaces leucine with phenylalanine at codon 3353 of the RYR1 protein. Computational prediction is inconclusive regarding the impact of this variant on protein structure and function. To our knowledge, functional studies have not been reported for this variant. This variant has not been reported in individuals affected with RYR1-related disorders in the literature. This variant has not been identified in the general population by the Genome Aggregation Database (gnomAD). The available evidence is insufficient to determine the role of this variant in disease conclusively. Therefore, this variant is classified as a Variant of Uncertain Significance.

All of Us Research Program, National Institutes of Health
Classification: Uncertain significance for Malignant hyperthermia, susceptibility to, 1. Last evaluated: 2023-04-03. Review status: criteria provided, single submitter. Criteria: ACMG Guidelines, 2015. Collection method: clinical testing. Allele origin: germline. Inheritance: Autosomal dominant inheritance. Observed: 1 variant allele, 1 heterozygote.
Comment: This missense variant replaces leucine with phenylalanine at codon 3353 of the RYR1 protein. Computational prediction is inconclusive regarding the impact of this variant on protein structure and function (internally defined REVEL score threshold 0.5 < inconclusive < 0.7, PMID: 27666373). To our knowledge, functional studies have not been reported for this variant. This variant has not been reported in individuals affected with RYR1-related disorders in the literature. This variant has not been identified in the general population by the Genome Aggregation Database (gnomAD). The available evidence is insufficient to determine the role of this variant in disease conclusively. Therefore, this variant is classified as a Variant of Uncertain Significance.

This study involves interpretation of variants in research participants for the purpose of population health screening. Participant phenotype was not available at the time of variant classification. Additional details can be found in publication PMID: 35346344, PMCID: PMC8962531